The following is an entry in ClinVar:

NM_001010892.3(RSPH4A):c.418C>A (p.His140Asn)

Gene: RSPH4A (radial spoke head component 4A; plus strand). Cytogenetic location: 6q22.1.
Variant type: single nucleotide variant.
Coding change: c.418C>A on transcript NM_001010892.3 (MANE Select); coding-DNA position 418, C replaced by A.
Protein change: p.His140Asn; replaces histidine 140 with asparagine.
Molecular consequence: missense variant.
Genome position (GRCh38, 1-based): chr6:116,617,041, C>A. VCF-style: chr6-116617041-C-A. GRCh37 (hg19) VCF-style: chr6-116938204-C-A.
Other names: c.418C>A, p.His140Asn (NM_001161664.2); short protein forms H140N.
Identifiers: ClinVar variation 1738554 (VCV001738554.2), dbSNP rs753180816, ClinGen allele CA3970757.
Genomic context (GRCh38, chr6:116,617,041, plus strand): 5'-GCTGGGACACCTTATCCTGATCCTTTGGAACAATCATCTGATAAAAGAGAATCAACTCCT[C>A]ATCACACAAGCCAGTCAGAAGGAAACACCTTTCAACAGTCTCAGCAACCCAAACCCCACC-3'
Protein context (NP_001010892.1, residues 130-150): QSSDKRESTP[His140Asn]HTSQSEGNTF

ClinVar aggregate classification (germline): Uncertain significance (1 of 4 stars; one submission).

Conditions:
Primary ciliary dyskinesia. Also called: Ciliary dyskinesia. Identifiers: Orphanet 244, MedGen C0008780, MONDO:0016575, HP:0012265.

Allele frequency attached by ClinVar (database versions not stated): ExAC 0.00001; TOPMed 0.00001.
gnomAD v4.1: 7 of 1,614,228 alleles (0.00043%); highest among the groups gnomAD compares: Non-Finnish European, 0.00059%; no homozygotes.

Submission:

Ambry Genetics
Classification: Uncertain significance for Primary ciliary dyskinesia. Last evaluated: 2021-12-07. Review status: criteria provided, single submitter. Criteria: Ambry Variant Classification Scheme 2023. Collection method: clinical testing. Allele origin: germline.
Comment: The p.H140N variant (also known as c.418C>A), located in coding exon 1 of the RSPH4A gene, results from a C to A substitution at nucleotide position 418. The histidine at codon 140 is replaced by asparagine, an amino acid with similar properties. This amino acid position is conserved. In addition, this alteration is predicted to be tolerated by in silico analysis. Since supporting evidence is limited at this time, the clinical significance of this alteration remains unclear.